The following is an entry in ClinVar:

ClinVar aggregate classification (germline): Uncertain significance (1 of 4 stars; one submission).

Allele frequency attached by ClinVar (database versions not stated): ExAC 0.00002; TOPMed 0.00002; gnomAD 0.00003; gnomAD exomes 0.00007.
gnomAD v4.1: 99 of 1,613,358 alleles (0.0061%); highest among the groups gnomAD compares: Non-Finnish European, 0.0081%; no homozygotes.

Submission:

Labcorp Genetics (formerly Invitae), Labcorp
Classification: Uncertain significance. Last evaluated: 2023-11-15. Review status: criteria provided, single submitter. Criteria: Invitae Variant Classification Sherloc (09022015). Collection method: clinical testing. Allele origin: germline.
Comment: This sequence change replaces valine, which is neutral and non-polar, with isoleucine, which is neutral and non-polar, at codon 462 of the HNF1A protein (p.Val462Ile). This variant is present in population databases (rs762446965, gnomAD 0.004%). This variant has not been reported in the literature in individuals affected with HNF1A-related conditions. Advanced modeling of protein sequence and biophysical properties (such as structural, functional, and spatial information, amino acid conservation, physicochemical variation, residue mobility, and thermodynamic stability) performed at Invitae indicates that this missense variant is not expected to disrupt HNF1A protein function with a negative predictive value of 80%. In summary, the available evidence is currently insufficient to determine the role of this variant in disease. Therefore, it has been classified as a Variant of Uncertain Significance.

NM_000545.8(HNF1A):c.1384G>A (p.Val462Ile)

Gene: HNF1A (HNF1 homeobox A; plus strand). Cytogenetic location: 12q24.31.
Variant type: single nucleotide variant.
Coding change: c.1384G>A on transcript NM_000545.8 (MANE Select); coding-DNA position 1384, G replaced by A.
Protein change: p.Val462Ile; replaces valine 462 with isoleucine.
Molecular consequence: missense variant. On other transcripts: intron variant (1).
Genome position (GRCh38, 1-based): chr12:120,997,548, G>A. VCF-style: chr12-120997548-G-A. GRCh37 (hg19) VCF-style: chr12-121435351-G-A.
Other names: c.1384G>A, p.Val462Ile (NM_001306179.2); c.1309+806G>A (NM_001406915.1); short protein forms V462I.
Identifiers: ClinVar variation 2762585 (VCV002762585.2), dbSNP rs762446965, ClinGen allele CA6832032.